The following is an entry in ClinVar:

NM_002894.3(RBBP8):c.1367A>G (p.His456Arg)

Gene: RBBP8 (RB binding protein 8, endonuclease; plus strand). Cytogenetic location: 18q11.2.
Variant type: single nucleotide variant.
Coding change: c.1367A>G on transcript NM_002894.3 (MANE Select); coding-DNA position 1367, A replaced by G.
Protein change: p.His456Arg; replaces histidine 456 with arginine.
Molecular consequence: missense variant.
Genome position (GRCh38, 1-based): chr18:22,993,194, A>G. VCF-style: chr18-22993194-A-G. GRCh37 (hg19) VCF-style: chr18-20573157-A-G.
Other names: c.1367A>G, p.His456Arg (NM_203291.2, NM_203292.2); short protein forms H456R.
Identifiers: ClinVar variation 130103 (VCV000130103.32), dbSNP rs139743319, ClinGen allele CA231441.

ClinVar aggregate classification (germline): Conflicting classifications of pathogenicity. Review status: criteria provided, conflicting classifications (1 of 4 stars). 5 submissions from 5 submitters: Uncertain significance (1); Likely benign (3). 1 of the submissions does not count toward it. Last evaluated 2026-01-27.

Conditions:
RBBP8-related disorder. Also called: RBBP8-Related Disorders; RBBP8-related condition. Identifiers: MedGen CN239300.

Allele frequency attached by ClinVar (database versions not stated): 1000 Genomes Project 0.00040; 1000 Genomes Project 30x 0.00047; ExAC 0.00115; gnomAD exomes 0.00126 and 0.00196; TOPMed 0.00166; gnomAD 0.00177; ESP Exome Variant Server 0.00238.
gnomAD v4.1: 3,168 of 1,614,200 alleles (0.2%); highest among the groups gnomAD compares: Non-Finnish European, 0.24%; 5 homozygotes.

Submissions (5):

Labcorp Genetics (formerly Invitae), Labcorp
Classification: Likely benign. Last evaluated: 2026-01-27. Review status: criteria provided, single submitter. Criteria: Invitae Variant Classification Sherloc (09022015). Collection method: clinical testing. Allele origin: germline.

CeGaT Center for Human Genetics Tuebingen
Classification: Likely benign. Last evaluated: 2024-12-01. Review status: criteria provided, single submitter. Criteria: CeGaT Center For Human Genetics Tuebingen Variant Classification Criteria Version 2. Collection method: clinical testing. Allele origin: germline. Affected: yes. Observed: 1 variant allele.
Comment: RBBP8: BP4

GeneDx
Classification: Likely benign. Last evaluated: 2021-05-27. Review status: criteria provided, single submitter. Criteria: GeneDx Variant Classification Process June 2021. Collection method: clinical testing. Allele origin: germline. Affected: yes.

Genetic Services Laboratory, University of Chicago
Classification: Uncertain significance. Last evaluated: 2013-05-14. Review status: criteria provided, single submitter. Criteria: ACMG Guidelines, 2007. Collection method: clinical testing. Allele origin: germline. Inheritance: Autosomal recessive inheritance.

PreventionGenetics, part of Exact Sciences
Classification: Likely benign for RBBP8-related condition. Last evaluated: 2022-05-09. Review status: no assertion criteria provided. Collection method: clinical testing. Allele origin: germline. Not counted in ClinVar's aggregate classification.
Comment: This variant is classified as likely benign based on ACMG/AMP sequence variant interpretation guidelines (Richards et al. 2015 PMID: 25741868, with internal and published modifications).